The following is an entry in ClinVar:

ClinVar aggregate classification (germline): Likely pathogenic (1 of 4 stars; one submission).

Conditions:
Autosomal recessive congenital ichthyosis 10 (ARCI10). Identifiers: Orphanet 79394, MedGen C3554355, MONDO:0014011, OMIM 615024.

gnomAD v4.1: 1 of 1,551,630 alleles (0.000064%); highest among the groups gnomAD compares: Non-Finnish European, 0.000087%; no homozygotes.

Submission:

Juno Genomics, Hangzhou Juno Genomics, Inc
Classification: Likely pathogenic for Autosomal recessive congenital ichthyosis 10. Review status: criteria provided, single submitter. Criteria: ACMG Guidelines, 2015. Collection method: clinical testing. Allele origin: germline. Affected: yes.
Comment: Absent from controls (or at extremely low frequency if recessive) in Genome Aggregation Database, Exome Sequencing Project, 1000 Genomes Project, or Exome Aggregation Consortium.;For recessive disorders, detected in trans with a pathogenic variant.;Patient's phenotype or family history is highly specific for a disease with a single genetic etiology.;Multiple lines of computational evidence support a deleterious effect on the gene or gene product (conservation, evolutionary, splicing impact, etc).

NM_001374623.1(PNPLA1):c.88G>A (p.Gly30Arg)

Gene: PNPLA1 (patatin like domain 1, omega-hydroxyceramide transacylase; plus strand). Cytogenetic location: 6p21.31.
Variant type: single nucleotide variant.
Coding change: c.88G>A on transcript NM_001374623.1 (MANE Select); coding-DNA position 88, G replaced by A.
Protein change: p.Gly30Arg; replaces glycine 30 with arginine.
Molecular consequence: missense variant. On other transcripts: intron variant (2).
Genome position (GRCh38, 1-based): chr6:36,270,547, G>A. VCF-style: chr6-36270547-G-A. GRCh37 (hg19) VCF-style: chr6-36238324-G-A.
Other names: c.-80-20773G>A (NM_173676.2, NM_001145716.2); c.88G>A, p.Gly30Arg (NM_001145717.1); short protein forms G30R.
Identifiers: ClinVar variation 3382149 (VCV003382149.2).
Genomic context (GRCh38, chr6:36,270,547, plus strand): 5'-CCGGACACCCCTCACTCCATCTCCTTCTCGGGCAGTGGATTCCTCTCCTTCTACCAGGCG[G>A]GGGCTGTGGACGCCCTGCGGGACCTGGCCCCCCGGATGCTGGAAACAGCCCACCGCTTTG-3'
Protein context (NP_001361552.1, residues 20-40): GSGFLSFYQA[Gly30Arg]AVDALRDLAP